The following is an entry in ClinVar:

NM_001177316.2(SLC34A3):c.1765G>A (p.Glu589Lys)

Genes: SLC34A3 (solute carrier family 34 member 3; plus strand), LOC130003098 (ATAC-STARR-seq lymphoblastoid silent region 20596; plus strand). Cytogenetic location: 9q34.3.
Variant type: single nucleotide variant.
Coding change: c.1765G>A on transcript NM_001177316.2 (MANE Select); coding-DNA position 1765, G replaced by A.
Protein change: p.Glu589Lys; replaces glutamic acid 589 with lysine.
Molecular consequence: missense variant.
Genome position (GRCh38, 1-based): chr9:137,236,381, G>A. VCF-style: chr9-137236381-G-A. GRCh37 (hg19) VCF-style: chr9-140130833-G-A.
Other names: c.1765G>A, p.Glu589Lys (NM_001177317.2, NM_080877.3); short protein forms E589K.
Identifiers: ClinVar variation 452005 (VCV000452005.16), dbSNP rs376700316, ClinGen allele CA5365038.

ClinVar aggregate classification (germline): Conflicting classifications of pathogenicity. Review status: criteria provided, conflicting classifications (1 of 4 stars). 7 submissions from 7 submitters: Uncertain significance (6); Likely benign (1). Last evaluated 2026-06-01.

Conditions:
Autosomal recessive hypophosphatemic bone disease (HHRH). Also called: Hypophosphatemic rickets with hypercalciuria; HYPERCALCIURIC RICKETS. Identifiers: Orphanet 157215, MedGen C1853271, MONDO:0009431, OMIM 241530.
SLC34A3-related disorder. Also called: SLC34A3-related condition.

Allele frequency attached by ClinVar (database versions not stated): ExAC 0.00011; gnomAD exomes 0.00017 and 0.00034; ESP Exome Variant Server 0.00018; gnomAD 0.00027 and 0.00030; 1000 Genomes Project 30x 0.00031; TOPMed 0.00054.
gnomAD v4.1: 307 of 1,538,556 alleles (0.02%); highest among the groups gnomAD compares: Middle Eastern, 0.2%; 1 homozygote.

Submissions (7):

CeGaT Center for Human Genetics Tuebingen
Classification: Likely benign. Last evaluated: 2026-06-01. Review status: criteria provided, single submitter. Criteria: CeGaT Center For Human Genetics Tuebingen Variant Classification Criteria Version 2. Collection method: clinical testing. Allele origin: germline. Affected: yes. Observed: 1 variant allele.
Comment: SLC34A3: BP4, BS2

Women's Health and Genetics/Laboratory Corporation of America, LabCorp
Classification: Uncertain significance. Last evaluated: 2026-04-13. Review status: criteria provided, single submitter. Criteria: LabCorp Variant Classification Summary - May 2015. Collection method: clinical testing. Allele origin: germline.
Comment: Variant summary: SLC34A3 c.1765G>A (p.Glu589Lys) results in a conservative amino acid change in the encoded protein sequence. Algorithms developed to predict the effect of missense changes on protein structure and function all suggest that this variant is likely to be tolerated. The variant allele was found at a frequency of 0.00034 in 146190 control chromosomes. This frequency is not significantly higher than estimated for disease-causing variants in SLC34A3, allowing no conclusion about variant significance. c.1765G>A has been observed in individual(s) affected with Hereditary Hypophosphatemic Rickets With Hypercalciuria without reported genotype/second variant (e.g. Rush_2021, Wang_2024). These report(s) do not provide unequivocal conclusions about association of the variant with Hereditary Hypophosphatemic Rickets With Hypercalciuria. To our knowledge, no experimental evidence demonstrating an impact on protein function has been reported. The following publications have been ascertained in the context of this evaluation (PMID: 34633109, 38355430). ClinVar contains an entry for this variant (Variation ID: 452005). Based on the evidence outlined above, the variant was classified as uncertain significance.

PreventionGenetics, part of Exact Sciences
Classification: Uncertain significance for SLC34A3-related condition. Last evaluated: 2025-09-22. Review status: criteria provided, single submitter. Criteria: ACMG Guidelines, 2015. Collection method: clinical testing. Allele origin: germline.
Comment: The SLC34A3 c.1765G>A variant is predicted to result in the amino acid substitution p.Glu589Lys. This variant was reported as a variant of uncertain significance in an individual from a cohort of individuals undergoing sponsored testing for hypophosphatemia and it was not clear if an additional SLC34A3 variant was present (Supp. Table 2, Rush et al. 2022. PubMed ID: 34633109). This variant is reported in 0.066% of alleles in individuals of Latino descent in gnomAD. At this time, the clinical significance of this variant is uncertain due to the absence of conclusive functional and genetic evidence.

GeneDx
Classification: Uncertain significance. Last evaluated: 2025-03-20. Review status: criteria provided, single submitter. Criteria: GeneDx Variant Classification Process June 2021. Collection method: clinical testing. Allele origin: germline. Affected: yes.
Comment: In silico analysis indicates that this missense variant does not alter protein structure/function; This variant is associated with the following publications: (PMID: 34633109)

Blueprint Genetics
Classification: Uncertain significance. Last evaluated: 2024-09-24. Review status: criteria provided, single submitter. Criteria: ACMG Guidelines, 2015. Collection method: clinical testing. Allele origin: germline.

Labcorp Genetics (formerly Invitae), Labcorp
Classification: Uncertain significance. Last evaluated: 2022-10-25. Review status: criteria provided, single submitter. Criteria: Invitae Variant Classification Sherloc (09022015). Collection method: clinical testing. Allele origin: germline.
Comment: This sequence change replaces glutamic acid, which is acidic and polar, with lysine, which is basic and polar, at codon 589 of the SLC34A3 protein (p.Glu589Lys). This variant is present in population databases (rs376700316, gnomAD 0.07%). This variant has not been reported in the literature in individuals affected with SLC34A3-related conditions. ClinVar contains an entry for this variant (Variation ID: 452005). Algorithms developed to predict the effect of missense changes on protein structure and function (SIFT, PolyPhen-2, Align-GVGD) all suggest that this variant is likely to be tolerated. In summary, the available evidence is currently insufficient to determine the role of this variant in disease. Therefore, it has been classified as a Variant of Uncertain Significance.

Fulgent Genetics
Classification: Uncertain significance for Autosomal recessive hypophosphatemic bone disease. Last evaluated: 2022-04-02. Review status: criteria provided, single submitter. Criteria: ACMG Guidelines, 2015. Collection method: clinical testing. Allele origin: unknown.

Literature cited by the submitters: PubMed 34633109 (cited by Women's Health and Genetics/Laboratory Corporation of America, LabCorp); PubMed 38355430 (cited by Women's Health and Genetics/Laboratory Corporation of America, LabCorp).